The following is an entry in ClinVar:

ClinVar aggregate classification (germline): Benign/Likely benign. Review status: criteria provided, multiple submitters, no conflicts (2 of 4 stars). 3 submissions from 3 submitters: Benign (1); Likely benign (1). 1 of the submissions does not count toward it. Last evaluated 2024-05-20.

Conditions:
AFF2-related disorder. Also called: AFF2-related condition.

Allele frequency attached by ClinVar (database versions not stated): TOPMed 0.00002; gnomAD 0.00009; gnomAD exomes 0.00016 and 0.00039; ExAC 0.00050; 1000 Genomes Project 30x 0.00146; 1000 Genomes Project 0.00159.

Submissions (3):

Blueprint Genetics
Classification: Likely benign. Last evaluated: 2024-05-20. Review status: criteria provided, single submitter. Criteria: ACMG Guidelines, 2015. Collection method: clinical testing. Allele origin: germline.

Genetic Services Laboratory, University of Chicago
Classification: Benign. Last evaluated: 2017-09-05. Review status: criteria provided, single submitter. Criteria: ACMG Guidelines, 2015. Collection method: clinical testing. Allele origin: germline. Affected: no.

PreventionGenetics, part of Exact Sciences
Classification: Benign for AFF2-related condition. Last evaluated: 2019-04-15. Review status: no assertion criteria provided. Collection method: clinical testing. Allele origin: germline. Not counted in ClinVar's aggregate classification.
Comment: This variant is classified as benign based on ACMG/AMP sequence variant interpretation guidelines (Richards et al. 2015 PMID: 25741868, with internal and published modifications).

NM_002025.4(AFF2):c.303T>C (p.Ser101=)

Gene: AFF2 (ALF transcription elongation factor 2; plus strand). Cytogenetic location: Xq28.
Variant type: single nucleotide variant.
Coding change: c.303T>C on transcript NM_002025.4 (MANE Select); coding-DNA position 303, T replaced by C.
Protein change: p.Ser101=; no amino-acid change (serine 101 retained).
Molecular consequence: synonymous variant.
Genome position (GRCh38, 1-based): chrX:148,662,030, T>C. VCF-style: chrX-148662030-T-C. GRCh37 (hg19) VCF-style: chrX-147743551-T-C.
Other names: c.291T>C, p.Ser97= (NM_001169122.2, NM_001169123.2, NM_001169125.2); c.303T>C, p.Ser101= (NM_001169124.2).
Identifiers: ClinVar variation 1336054 (VCV001336054.7), dbSNP rs782198095, ClinGen allele CA10536795.